The following is an entry in ClinVar:

ClinVar aggregate classification (germline): Uncertain significance (1 of 4 stars; one submission).

Conditions:
Inborn genetic diseases. Identifiers: MedGen C0950123, MeSH D030342.

Submission:

Ambry Genetics
Classification: Uncertain significance for Inborn genetic diseases. Last evaluated: 2024-12-16. Review status: criteria provided, single submitter. Criteria: Ambry Variant Classification Scheme 2023. Collection method: clinical testing. Allele origin: germline.
Comment: The p.S58N variant (also known as c.173G>A), located in coding exon 2 of the MBD4 gene, results from a G to A substitution at nucleotide position 173. The serine at codon 58 is replaced by asparagine, an amino acid with highly similar properties. This amino acid position is conserved. In addition, this alteration is predicted to be tolerated by in silico analysis. Based on the available evidence, the clinical significance of this variant remains unclear.

NM_001276270.2(MBD4):c.173G>A (p.Ser58Asn)

Gene: MBD4 (methyl-CpG binding domain 4, DNA glycosylase; minus strand). Cytogenetic location: 3q21.3.
Variant type: single nucleotide variant.
Coding change: c.173G>A on transcript NM_001276270.2 (MANE Select); coding-DNA position 173, G replaced by A.
Protein change: p.Ser58Asn; replaces serine 58 with asparagine.
Molecular consequence: missense variant.
Genome position (GRCh38, 1-based): chr3:129,437,882, C>T on the plus strand (G>A on the coding strand, the complement: MBD4 is on the minus strand). VCF-style: chr3-129437882-C-T. GRCh37 (hg19) VCF-style: chr3-129156725-C-T.
Other names: c.173G>A, p.Ser58Asn (NM_001276271.2, NM_001276272.2, NM_001276273.2 and 1 more transcripts); short protein forms S58N.
Identifiers: ClinVar variation 3870859 (VCV003870859.1).